The following is an entry in ClinVar:

ClinVar aggregate classification (germline): Uncertain significance. Review status: criteria provided, multiple submitters, no conflicts (2 of 4 stars). 8 submissions from 5 submitters: Uncertain significance (8). Last evaluated 2025-03-05.

Conditions:
Malignant hyperthermia, susceptibility to, 5 (MHS5). Also called: CACNA1S-Related Malignant Hyperthermia Susceptibility. Identifiers: Orphanet 423, MedGen C1866077, MONDO:0011163, OMIM 601887.
Thyrotoxic periodic paralysis, susceptibility to, 1 (TTPP1). Identifiers: Orphanet 79102, MedGen C2749982, MONDO:0008570, OMIM 188580.
Congenital myopathy 18. Also called: DIHYDROPYRIDINE RECEPTOR CONGENITAL MYOPATHY; DHPR CONGENITAL MYOPATHY; Myopathy, congenital, due to dihydropyridine receptor defect. Identifiers: MedGen C5830283, MONDO:0859514, OMIM 620246.
Hypokalemic periodic paralysis, type 1. Also called: HypoPP; Hypokalemic Periodic Paralysis Type 1 (AD). Identifiers: Orphanet 681, MedGen C3714580, MONDO:0042979, OMIM 170400.

Allele frequency attached by ClinVar (database versions not stated): gnomAD exomes below 0.00001; TOPMed below 0.00001; ExAC 0.00001; gnomAD 0.00001 and 0.00002; 1000 Genomes Project 30x 0.00016; 1000 Genomes Project 0.00020.
gnomAD v4.1: 9 of 1,614,206 alleles (0.00056%); highest among the groups gnomAD compares: Admixed American, 0.0033%; no homozygotes.

Submissions (8):

Labcorp Genetics (formerly Invitae), Labcorp
Classification: Uncertain significance for Hypokalemic periodic paralysis, type 1; Malignant hyperthermia, susceptibility to, 5. Last evaluated: 2025-03-05. Review status: criteria provided, single submitter. Criteria: Invitae Variant Classification Sherloc (09022015). Collection method: clinical testing. Allele origin: germline.
Comment: This sequence change replaces serine, which is neutral and polar, with leucine, which is neutral and non-polar, at codon 1342 of the CACNA1S protein (p.Ser1342Leu). This variant is present in population databases (rs563795648, gnomAD 0.003%). This variant has not been reported in the literature in individuals affected with CACNA1S-related conditions. ClinVar contains an entry for this variant (Variation ID: 1043053). Invitae Evidence Modeling of protein sequence and biophysical properties (such as structural, functional, and spatial information, amino acid conservation, physicochemical variation, residue mobility, and thermodynamic stability) indicates that this missense variant is not expected to disrupt CACNA1S protein function with a negative predictive value of 95%. In summary, the available evidence is currently insufficient to determine the role of this variant in disease. Therefore, it has been classified as a Variant of Uncertain Significance.

All of Us Research Program, National Institutes of Health
Classification: Uncertain significance for Malignant hyperthermia, susceptibility to, 5. Last evaluated: 2024-09-23. Review status: criteria provided, single submitter. Criteria: ACMG Guidelines, 2015. Collection method: clinical testing. Allele origin: germline. Inheritance: Autosomal dominant inheritance. Observed: 2 variant alleles, 2 heterozygotes.
Comment: This missense variant replaces serine with leucine at codon 1342 of the CACNA1S protein. Computational prediction suggests that this variant may have deleterious impact on protein structure and function (internally defined REVEL score threshold >= 0.7, PMID: 27666373). To our knowledge, functional studies have not been reported for this variant. This variant has not been reported in individuals affected with CACNA1S-related disorders in the literature. This variant has not been identified in the general population by the Genome Aggregation Database (gnomAD). The available evidence is insufficient to determine the role of this variant in disease conclusively. Therefore, this variant is classified as a Variant of Uncertain Significance.

This study involves interpretation of variants in research participants for the purpose of population health screening. Participant phenotype was not available at the time of variant classification. Additional details can be found in publication PMID: 35346344, PMCID: PMC8962531

Fulgent Genetics
Classification: Uncertain significance for Hypokalemic periodic paralysis, type 1; Thyrotoxic periodic paralysis, susceptibility to, 1; Malignant hyperthermia, susceptibility to, 5; Congenital myopathy 18. Last evaluated: 2023-12-28. Review status: criteria provided, single submitter. Criteria: ACMG Guidelines, 2015. Collection method: clinical testing. Allele origin: germline.

Genome-Nilou Lab
Classification: Uncertain significance for Malignant hyperthermia, susceptibility to, 5. Last evaluated: 2023-04-11. Review status: criteria provided, single submitter. Criteria: ACMG Guidelines, 2015. Collection method: clinical testing. Allele origin: germline. Affected: no.

Genome-Nilou Lab
Classification: Uncertain significance for Thyrotoxic periodic paralysis, susceptibility to, 1. Last evaluated: 2023-04-11. Review status: criteria provided, single submitter. Criteria: ACMG Guidelines, 2015. Collection method: clinical testing. Allele origin: germline. Affected: no.

Genome-Nilou Lab
Classification: Uncertain significance for Congenital myopathy 18. Last evaluated: 2023-04-11. Review status: criteria provided, single submitter. Criteria: ACMG Guidelines, 2015. Collection method: clinical testing. Allele origin: germline. Affected: no.

Genome-Nilou Lab
Classification: Uncertain significance for Hypokalemic periodic paralysis, type 1. Last evaluated: 2023-04-11. Review status: criteria provided, single submitter. Criteria: ACMG Guidelines, 2015. Collection method: clinical testing. Allele origin: germline. Affected: no.

GeneDx
Classification: Uncertain significance. Last evaluated: 2019-11-06. Review status: criteria provided, single submitter. Criteria: GeneDx Variant Classification Process June 2021. Collection method: clinical testing. Allele origin: germline. Affected: yes.
Comment: Not observed in large population cohorts (Lek et al., 2016); In silico analysis, which includes protein predictors and evolutionary conservation, supports a deleterious effect; Has not been previously published as pathogenic or benign to our knowledge

NM_000069.3(CACNA1S):c.4025C>T (p.Ser1342Leu)

Gene: CACNA1S (calcium voltage-gated channel subunit alpha1 S; minus strand). Cytogenetic location: 1q32.1.
Variant type: single nucleotide variant.
Coding change: c.4025C>T on transcript NM_000069.3 (MANE Select); coding-DNA position 4025, C replaced by T.
Protein change: p.Ser1342Leu; replaces serine 1342 with leucine.
Molecular consequence: missense variant.
Genome position (GRCh38, 1-based): chr1:201,051,072, G>A on the plus strand (C>T on the coding strand, the complement: CACNA1S is on the minus strand). VCF-style: chr1-201051072-G-A. GRCh37 (hg19) VCF-style: chr1-201020200-G-A.
Other names: short protein forms S1342L.
Identifiers: ClinVar variation 1043053 (VCV001043053.15), dbSNP rs563795648, ClinGen allele CA083038.